The following is an entry in ClinVar:

NM_001852.4(COL9A2):c.766G>A (p.Gly256Ser)

Gene: COL9A2 (collagen type IX alpha 2 chain; minus strand). Cytogenetic location: 1p34.2.
Variant type: single nucleotide variant.
Coding change: c.766G>A on transcript NM_001852.4 (MANE Select); coding-DNA position 766, G replaced by A.
Protein change: p.Gly256Ser; replaces glycine 256 with serine.
Molecular consequence: missense variant.
Genome position (GRCh38, 1-based): chr1:40,310,137, C>T on the plus strand (G>A on the coding strand, the complement: COL9A2 is on the minus strand). VCF-style: chr1-40310137-C-T. GRCh37 (hg19) VCF-style: chr1-40775809-C-T.
Other names: short protein forms G256S.
Identifiers: ClinVar variation 4780380 (VCV004780380.1).

ClinVar aggregate classification (germline): Uncertain significance (1 of 4 stars; one submission).

gnomAD v4.1: 2 of 1,613,998 alleles (0.00012%); highest among the groups gnomAD compares: Non-Finnish European, 0.00017%; no homozygotes.

Submission:

Labcorp Genetics (formerly Invitae), Labcorp
Classification: Uncertain significance. Last evaluated: 2026-01-12. Review status: criteria provided, single submitter. Criteria: Invitae Variant Classification Sherloc (09022015). Collection method: clinical testing. Allele origin: germline.
Comment: This sequence change replaces glycine, which is neutral and non-polar, with serine, which is neutral and polar, at codon 256 of the COL9A2 protein (p.Gly256Ser). This variant is present in population databases (no rsID available, gnomAD 0.0009%). This variant has not been reported in the literature in individuals affected with COL9A2-related conditions. Invitae Evidence Modeling of protein sequence and biophysical properties (such as structural, functional, and spatial information, amino acid conservation, physicochemical variation, residue mobility, and thermodynamic stability) indicates that this missense variant is expected to disrupt COL9A2 protein function with a positive predictive value of 95%. In summary, the available evidence is currently insufficient to determine the role of this variant in disease. Therefore, it has been classified as a Variant of Uncertain Significance.